The following is an entry in ClinVar:

ClinVar aggregate classification (germline): Uncertain significance (1 of 4 stars; one submission).

Submission:

GeneDx
Classification: Uncertain significance. Last evaluated: 2024-09-15. Review status: criteria provided, single submitter. Criteria: GeneDx Variant Classification Process June 2021. Collection method: clinical testing. Allele origin: germline. Affected: yes.
Comment: Not observed at significant frequency in large population cohorts (gnomAD); In silico analysis supports that this missense variant has a deleterious effect on protein structure/function; Has not been previously published as pathogenic or benign to our knowledge

NM_016335.6(PRODH):c.1505C>T (p.Thr502Ile)

Gene: PRODH (proline dehydrogenase 1; minus strand). Cytogenetic location: 22q11.21.
Variant type: single nucleotide variant.
Coding change: c.1505C>T on transcript NM_016335.6 (MANE Select); coding-DNA position 1505, C replaced by T.
Protein change: p.Thr502Ile; replaces threonine 502 with isoleucine.
Molecular consequence: missense variant.
Genome position (GRCh38, 1-based): chr22:18,916,911, G>A on the plus strand (C>T on the coding strand, the complement: PRODH is on the minus strand). VCF-style: chr22-18916911-G-A. GRCh37 (hg19) VCF-style: chr22-18904424-G-A.
Other names: c.1181C>T, p.Thr394Ile (NM_001195226.2, NM_001368250.2); short protein forms T394I, T502I.
Identifiers: ClinVar variation 3769949 (VCV003769949.1).